The following is an entry in ClinVar:

NM_018151.5(RIF1):c.6471A>G (p.Ser2157=)

Gene: RIF1 (replication timing regulatory factor 1; plus strand). Cytogenetic location: 2q23.3.
Variant type: single nucleotide variant.
Coding change: c.6471A>G on transcript NM_018151.5 (MANE Select); coding-DNA position 6471, A replaced by G.
Protein change: p.Ser2157=; no amino-acid change (serine 2157 retained).
Molecular consequence: synonymous variant.
Genome position (GRCh38, 1-based): chr2:151,465,991, A>G. VCF-style: chr2-151465991-A-G. GRCh37 (hg19) VCF-style: chr2-152322505-A-G.
Other names: c.6471A>G, p.Ser2157= (NM_001177663.2, NM_001177664.2, NM_001177665.2).
Identifiers: ClinVar variation 2651423 (VCV002651423.24), dbSNP rs1374182951, ClinGen allele CA429450977.

ClinVar aggregate classification (germline): Likely benign (1 of 4 stars; one submission).

Allele frequency attached by ClinVar (database versions not stated): gnomAD 0.00001; gnomAD exomes 0.00001.
gnomAD v4.1: 6 of 1,613,808 alleles (0.00037%); highest among the groups gnomAD compares: Non-Finnish European, 0.00051%; no homozygotes.

Submission:

CeGaT Center for Human Genetics Tuebingen
Classification: Likely benign. Last evaluated: 2022-12-01. Review status: criteria provided, single submitter. Criteria: CeGaT Center For Human Genetics Tuebingen Variant Classification Criteria Version 2. Collection method: clinical testing. Allele origin: germline. Affected: yes. Observed: 1 variant allele.
Comment: RIF1: BP4, BP7